The following is an entry in ClinVar:

NM_173560.4(RFX6):c.2486G>C (p.Arg829Pro)

Gene: RFX6 (regulatory factor X6; plus strand). Cytogenetic location: 6q22.1.
Variant type: single nucleotide variant.
Coding change: c.2486G>C on transcript NM_173560.4 (MANE Select); coding-DNA position 2486, G replaced by C.
Protein change: p.Arg829Pro; replaces arginine 829 with proline.
Molecular consequence: missense variant.
Genome position (GRCh38, 1-based): chr6:116,928,846, G>C. VCF-style: chr6-116928846-G-C. GRCh37 (hg19) VCF-style: chr6-117250009-G-C.
Other names: short protein forms R829P.
Identifiers: ClinVar variation 2084047 (VCV002084047.2), dbSNP rs57748743, ClinGen allele CA3973562.

ClinVar aggregate classification (germline): Uncertain significance (1 of 4 stars; one submission).

Allele frequency attached by ClinVar (database versions not stated): ESP Exome Variant Server 0.00031; 1000 Genomes Project 30x 0.00094; 1000 Genomes Project 0.00120.
gnomAD v4.1: 94 of 1,613,650 alleles (0.0058%); highest among the groups gnomAD compares: African/African-American, 0.11%; no homozygotes.

Submission:

Labcorp Genetics (formerly Invitae), Labcorp
Classification: Uncertain significance. Last evaluated: 2022-08-09. Review status: criteria provided, single submitter. Criteria: Invitae Variant Classification Sherloc (09022015). Collection method: clinical testing. Allele origin: germline.
Comment: In summary, the available evidence is currently insufficient to determine the role of this variant in disease. Therefore, it has been classified as a Variant of Uncertain Significance. Algorithms developed to predict the effect of missense changes on protein structure and function (SIFT, PolyPhen-2, Align-GVGD) all suggest that this variant is likely to be disruptive. This variant has not been reported in the literature in individuals affected with RFX6-related conditions. This variant is present in population databases (rs57748743, gnomAD 0.1%). This sequence change replaces arginine, which is basic and polar, with proline, which is neutral and non-polar, at codon 829 of the RFX6 protein (p.Arg829Pro).